The following is an entry in ClinVar:

NC_000009.12:g.35658024delinsTTCAGCTTCACAGAGTAGTA

Gene: RMRP (RNA component of mitochondrial RNA processing endoribonuclease; minus strand). Cytogenetic location: 9p13.3.
Variant type: Indel.
Genome position: GRCh38 VCF-style: chr9-35658024-C-TTCAGCTTCACAGAGTAGTA. GRCh37 (hg19) VCF-style: chr9-35658021-C-TTCAGCTTCACAGAGTAGTA.
Identifiers: ClinVar variation 1301386 (VCV001301386.2), dbSNP rs2131809783, ClinGen allele CA2573053176.

ClinVar aggregate classification (germline): Likely pathogenic (1 of 4 stars; one submission).

Conditions:
Metaphyseal chondrodysplasia, McKusick type (CHH). Also called: Cartilage-hair hypoplasia; Cartilage-Hair Hypoplasia (CHH). Identifiers: Orphanet 175, MedGen C0220748, MONDO:0009595, OMIM 250250.

Submission:

Women's Health and Genetics/Laboratory Corporation of America, LabCorp
Classification: Likely pathogenic for Metaphyseal chondrodysplasia, McKusick type. Last evaluated: 2021-09-14. Review status: criteria provided, single submitter. Criteria: LabCorp Variant Classification Summary - May 2015. Collection method: clinical testing. Allele origin: germline.
Comment: Variant summary: RMRP n.-6delinsTACTACTCTGTGAAGCTGAA involves the deletion of one nucleotide with the insertion of 20 nucleotides in the promoter region of RMRP, located between the TATA box (-33 to -25) and the transcription initiation site. Other insertions or duplications in the promoter region of RMRP have been classified as pathogenic (internally and in ClinVar). The variant was absent in 126964 control chromosomes (gnomAD). To our knowledge, no occurrence of n.-6delins20 in individuals affected with Cartilage-Hair Hypoplasia and no experimental evidence demonstrating its impact on RNA function have been reported. However, many other insertions or duplications in the promoter region of RMRP have been reported in affected individuals in the literature (e.g. PMIDs: 21956908, 21396580) and have been demonstrated through functional studies to lead to reduced RMRP transcription (e.g. PMIDs: 11207361, 16254002, 17937437). No clinical diagnostic laboratories have submitted clinical-significance assessments for this variant to ClinVar after 2014. Based on the evidence outlined above, the variant was classified as likely pathogenic.